The following is an entry in ClinVar:

NM_001145308.5(LRTOMT):c.675G>A (p.Leu225=)

Genes: ANAPC15 (anaphase promoting complex subunit 15; minus strand), LRTOMT (leucine rich transmembrane and O-methyltransferase domain containing; plus strand), TOMT (transmembrane O-methyltransferase; plus strand). Cytogenetic location: 11q13.4.
Variant type: single nucleotide variant.
Coding change: c.675G>A on transcript NM_001145308.5; coding-DNA position 675, G replaced by A.
Protein change: p.Leu225=; no amino-acid change (leucine 225 retained).
Molecular consequence: synonymous variant. On other transcripts: 3 prime UTR variant (3), non-coding transcript variant (1), intron variant (7).
Genome position (GRCh38, 1-based): chr11:72,108,724, G>A. VCF-style: chr11-72108724-G-A. GRCh37 (hg19) VCF-style: chr11-71819770-G-A.
Other names: c.576G>A, p.Leu192= (NM_001393500.2); c.675G>A, p.Leu225= (NM_001145309.4); c.555G>A, p.Leu185= (NM_001145310.4); c.*95C>T (NM_001393443.1, NM_001393444.1, NM_001393445.1); c.64-1119C>T (NM_001393459.1); c.319-1119C>T (NM_001393430.1, NM_001393429.1, NM_001393428.1 and 3 more transcripts).
Identifiers: ClinVar variation 4821734 (VCV004821734.4).

ClinVar aggregate classification (germline): Likely benign (1 of 4 stars; one submission).

gnomAD v4.1: 3 of 1,550,148 alleles (0.00019%); highest among the groups gnomAD compares: Non-Finnish European, 0.00017%; no homozygotes.

Submission:

CeGaT Center for Human Genetics Tuebingen
Classification: Likely benign. Last evaluated: 2026-03-01. Review status: criteria provided, single submitter. Criteria: CeGaT Center For Human Genetics Tuebingen Variant Classification Criteria Version 2. Collection method: clinical testing. Allele origin: germline. Affected: yes. Observed: 1 variant allele.
Comment: LRTOMT: BP4, BP7